The following is an entry in ClinVar:

NM_000090.4(COL3A1):c.1609-1_1612del

Gene: COL3A1 (collagen type III alpha 1 chain; plus strand). Cytogenetic location: 2q32.2.
Variant type: Deletion.
Coding change: c.1609-1_1612del on transcript NM_000090.4 (MANE Select); the canonical splice acceptor site of the intron before coding-DNA position 1609 through coding-DNA position 1612, 5 bases deleted (GGGCA; older notation c.1609-1_1612delGGGCA).
Molecular consequence: splice acceptor variant.
Genome position (GRCh38, 1-based): chr2:188,996,124-188,996,128, GGGCA deleted; deleting any 5 consecutive bases within chr2:188,996,122-188,996,128 gives the same sequence; the c. name uses the placement nearest the transcript's 3' end. VCF-style (leftmost placement, unchanged base first): chr2-188996121-TCAGGG-T. GRCh37 (hg19) VCF-style: chr2-189860847-TCAGGG-T.
Identifiers: ClinVar variation 3643002 (VCV003643002.2).

ClinVar aggregate classification (germline): Likely pathogenic (1 of 4 stars; one submission).

Conditions:
Ehlers-Danlos syndrome, type 4 (EDSVASC). Also called: Ehlers-Danlos syndrome vascular type; Ehlers Danlos syndrome, ecchymotic type; Ehlers Danlos syndrome, arterial type; Ehlers Danlos syndrome, Sack-Barabas type; Ehlers-Danlos Syndrome Type IV. Identifiers: Orphanet 286, MedGen C0268338, MONDO:0017314, OMIM 130050.

Submission:

Labcorp Genetics (formerly Invitae), Labcorp
Classification: Likely pathogenic for Ehlers-Danlos syndrome, type 4. Last evaluated: 2024-02-24. Review status: criteria provided, single submitter. Criteria: Invitae Variant Classification Sherloc (09022015). Collection method: clinical testing. Allele origin: germline.
Comment: This variant results in the deletion of part of exon 23 (c.1609-1_1612del) of the COL3A1 gene. It is expected to disrupt RNA splicing. Variants that disrupt the donor or acceptor splice site typically lead to a loss of protein function (PMID: 16199547), and loss-of-function variants in COL3A1 are known to be pathogenic (PMID: 24922459). This variant is not present in population databases (gnomAD no frequency). This variant has not been reported in the literature in individuals affected with COL3A1-related conditions. In summary, the currently available evidence indicates that the variant is pathogenic, but additional data are needed to prove that conclusively. Therefore, this variant has been classified as Likely Pathogenic.

Literature cited by the submitters: PubMed 16199547; PubMed 24922459.